The following is an entry in ClinVar:

ClinVar aggregate classification (germline): Conflicting classifications of pathogenicity. Review status: criteria provided, conflicting classifications (1 of 4 stars). 5 submissions from 5 submitters: Uncertain significance (3); Likely benign (2). Last evaluated 2026-01-21.

Conditions:
TSPAN12-related disorder. Also called: TSPAN12-related condition.
Inborn genetic diseases. Identifiers: MedGen C0950123, MeSH D030342.

Allele frequency attached by ClinVar (database versions not stated): gnomAD exomes 0.00007 and 0.00014; ExAC 0.00012; 1000 Genomes Project 0.00040; ESP Exome Variant Server 0.00046; gnomAD 0.00052 and 0.00058; 1000 Genomes Project 30x 0.00062; TOPMed 0.00066.
gnomAD v4.1: 177 of 1,613,922 alleles (0.011%); highest among the groups gnomAD compares: African/African-American, 0.2%; no homozygotes.

Submissions (5):

Labcorp Genetics (formerly Invitae), Labcorp
Classification: Likely benign. Last evaluated: 2026-01-21. Review status: criteria provided, single submitter. Criteria: Invitae Variant Classification Sherloc (09022015). Collection method: clinical testing. Allele origin: germline.

PreventionGenetics, part of Exact Sciences
Classification: Likely benign for TSPAN12-related condition. Last evaluated: 2025-08-25. Review status: criteria provided, single submitter. Criteria: ACMG Guidelines, 2015. Collection method: clinical testing. Allele origin: germline.
Comment: This variant is classified as likely benign based on ACMG/AMP sequence variant interpretation guidelines (Richards et al. 2015 PMID: 25741868, with internal and published modifications).

Blueprint Genetics
Classification: Uncertain significance. Last evaluated: 2024-11-13. Review status: criteria provided, single submitter. Criteria: ACMG Guidelines, 2015. Collection method: clinical testing. Allele origin: germline.

Ambry Genetics
Classification: Uncertain significance for Inborn genetic diseases. Last evaluated: 2021-12-15. Review status: criteria provided, single submitter. Criteria: Ambry Variant Classification Scheme 2023. Collection method: clinical testing. Allele origin: germline.

GeneDx
Classification: Uncertain significance. Last evaluated: 2017-08-24. Review status: criteria provided, single submitter. Criteria: GeneDx Variant Classification (06012015). Collection method: clinical testing. Allele origin: germline. Affected: yes.
Comment: The P61S variant in the TSPAN12 gene has not been reported previously as a pathogenic variant, nor as a benign variant, to our knowledge. The P61S variant is observed in 14/10250 (0.137%) alleles from individuals of African background in the ExAC dataset (Lek et al., 2016). The P61S variant is a non-conservative amino acid substitution, which is likely to impact secondary protein structure as these residues differ in polarity, charge, size and/or other properties. This substitution occurs at a position that is conserved across species. In silico analysis is inconsistent in its predictions as to whether or not the variant is damaging to the protein structure/function. We interpret P61S as a variant of uncertain significance.

NM_012338.4(TSPAN12):c.181C>T (p.Pro61Ser)

Gene: TSPAN12 (tetraspanin 12; minus strand). Cytogenetic location: 7q31.31.
Variant type: single nucleotide variant.
Coding change: c.181C>T on transcript NM_012338.4 (MANE Select); coding-DNA position 181, C replaced by T.
Protein change: p.Pro61Ser; replaces proline 61 with serine.
Molecular consequence: missense variant.
Genome position (GRCh38, 1-based): chr7:120,838,881, G>A on the plus strand (C>T on the coding strand, the complement: TSPAN12 is on the minus strand). VCF-style: chr7-120838881-G-A. GRCh37 (hg19) VCF-style: chr7-120478935-G-A.
Other names: short protein forms P61S.
Identifiers: ClinVar variation 451594 (VCV000451594.17), dbSNP rs145449060, ClinGen allele CA4453973.